The following is an entry in ClinVar:

ClinVar aggregate classification (germline): Conflicting classifications of pathogenicity. Review status: criteria provided, conflicting classifications (1 of 4 stars). 2 submissions from 2 submitters: Uncertain significance (1); Likely benign (1). Last evaluated 2026-01-11.

Conditions:
Inborn genetic diseases. Identifiers: MedGen C0950123, MeSH D030342.

Allele frequency attached by ClinVar (database versions not stated): ExAC 0.00022; TOPMed 0.00026; ESP Exome Variant Server 0.00038; 1000 Genomes Project 30x 0.00094; 1000 Genomes Project 0.00100.

Submissions (2):

Labcorp Genetics (formerly Invitae), Labcorp
Classification: Uncertain significance. Last evaluated: 2026-01-11. Review status: criteria provided, single submitter. Criteria: Invitae Variant Classification Sherloc (09022015). Collection method: clinical testing. Allele origin: germline.
Comment: This sequence change replaces arginine, which is basic and polar, with glutamine, which is neutral and polar, at codon 304 of the GPD1 protein (p.Arg304Gln). This variant is present in population databases (rs140951668, gnomAD 0.08%). This missense change has been observed in individual(s) with clinical features of GPD1-related conditions (PMID: 36325899). ClinVar contains an entry for this variant (Variation ID: 3101282). Invitae Evidence Modeling of protein sequence and biophysical properties (such as structural, functional, and spatial information, amino acid conservation, physicochemical variation, residue mobility, and thermodynamic stability) indicates that this missense variant is not expected to disrupt GPD1 protein function with a negative predictive value of 80%. In summary, the available evidence is currently insufficient to determine the role of this variant in disease. Therefore, it has been classified as a Variant of Uncertain Significance.

Ambry Genetics
Classification: Likely benign for Inborn genetic diseases. Last evaluated: 2023-11-13. Review status: criteria provided, single submitter. Criteria: Ambry Variant Classification Scheme 2023. Collection method: clinical testing. Allele origin: germline.

Literature cited by the submitters: PubMed 36325899 (cited by Labcorp Genetics (formerly Invitae), Labcorp).

NM_005276.4(GPD1):c.911G>A (p.Arg304Gln)

Gene: GPD1 (glycerol-3-phosphate dehydrogenase 1; plus strand). Cytogenetic location: 12q13.12.
Variant type: single nucleotide variant.
Coding change: c.911G>A on transcript NM_005276.4 (MANE Select); coding-DNA position 911, G replaced by A.
Protein change: p.Arg304Gln; replaces arginine 304 with glutamine.
Molecular consequence: missense variant.
Genome position (GRCh38, 1-based): chr12:50,108,088, G>A. VCF-style: chr12-50108088-G-A. GRCh37 (hg19) VCF-style: chr12-50501871-G-A.
Other names: c.842G>A, p.Arg281Gln (NM_001257199.2); short protein forms R281Q, R304Q.
Identifiers: ClinVar variation 3101282 (VCV003101282.2), dbSNP rs140951668, ClinGen allele CA6561800.
Genomic context (GRCh38, chr12:50,108,088, plus strand): 5'-TTGAGCAGCTGGAGAAAGAGTTGCTGAATGGGCAGAAACTGCAGGGGCCCGAGACAGCCC[G>A]GGAGCTATACAGCATCCTCCAGCACAAGGGCCTGGTAGACAAGTAAGTATTGGCCACAGC-3'
Protein context (NP_005267.2, residues 294-314): GQKLQGPETA[Arg304Gln]ELYSILQHKG